The following is an entry in ClinVar:

NM_001267550.2(TTN):c.28499C>G (p.Ser9500Ter)

Gene: TTN (titin; minus strand). Cytogenetic location: 2q31.2.
Variant type: single nucleotide variant.
Coding change: c.28499C>G on transcript NM_001267550.2 (MANE Select); coding-DNA position 28499, C replaced by G.
Protein change: p.Ser9500Ter; replaces serine 9500 with a stop codon.
Molecular consequence: nonsense. On other transcripts: intron variant (3).
Genome position (GRCh38, 1-based): chr2:178,709,820, G>C on the plus strand (C>G on the coding strand, the complement: TTN is on the minus strand). VCF-style: chr2-178709820-G-C. GRCh37 (hg19) VCF-style: chr2-179574547-G-C.
Other names: c.27548C>G, p.Ser9183Ter (NM_001256850.1); c.24767C>G, p.Ser8256Ter (NM_133378.4); c.13282+28262C>G (NM_003319.4); c.13858+28262C>G (NM_133437.4); c.13657+28262C>G (NM_133432.3); short protein forms S8256*, S9183*, S9500*.
Identifiers: ClinVar variation 1062794 (VCV001062794.13), dbSNP rs2154294487, ClinGen allele CA349592493.

ClinVar aggregate classification (germline): Likely pathogenic. Review status: criteria provided, multiple submitters, no conflicts (2 of 4 stars). 2 submissions from 2 submitters: Likely pathogenic (2). Last evaluated 2026-03-01.

Conditions:
Autosomal recessive limb-girdle muscular dystrophy type 2J (LGMDR10). Also called: Limb-girdle muscular dystrophy, type 2J; MUSCULAR DYSTROPHY, LIMB-GIRDLE, AUTOSOMAL RECESSIVE 10. Identifiers: Orphanet 140922, MedGen C1837342, MONDO:0012127, OMIM 608807.
Dilated cardiomyopathy 1G (CMD1G). Identifiers: Orphanet 154, MedGen C1858763, MONDO:0011400, OMIM 604145.

Submissions (2):

CeGaT Center for Human Genetics Tuebingen
Classification: Likely pathogenic. Last evaluated: 2026-03-01. Review status: criteria provided, single submitter. Criteria: CeGaT Center For Human Genetics Tuebingen Variant Classification Criteria Version 2. Collection method: clinical testing. Allele origin: germline. Affected: yes. Observed: 1 variant allele.
Comment: TTN: PVS1:Strong, PM2

Labcorp Genetics (formerly Invitae), Labcorp
Classification: Likely pathogenic for Dilated cardiomyopathy 1G; Autosomal recessive limb-girdle muscular dystrophy type 2J. Last evaluated: 2024-10-18. Review status: criteria provided, single submitter. Criteria: Invitae Variant Classification Sherloc (09022015). Collection method: clinical testing. Allele origin: germline.
Comment: This sequence change creates a premature translational stop signal (p.Ser9500*) in the TTN gene. While this is not anticipated to result in nonsense mediated decay, it is expected to create a truncated TTN protein. This variant is not present in population databases (gnomAD no frequency). This variant has not been reported in the literature in individuals affected with TTN-related conditions. ClinVar contains an entry for this variant (Variation ID: 1062794). Algorithms developed to predict the effect of sequence changes on RNA splicing suggest that this variant may disrupt the consensus splice site. This variant is located in the I band of TTN (PMID: 25589632). Truncating variants in this region have been reported in individuals affected with autosomal recessive centronuclear myopathy (PMID: 23975875, internal data). Truncating variants in this region have also been identified in individuals affected with autosomal dominant dilated cardiomyopathy and/or cardio-related conditions (PMID: 27869827, 32964742, internal data). In summary, the currently available evidence indicates that the variant is pathogenic, but additional data are needed to prove that conclusively. Therefore, this variant has been classified as Likely Pathogenic.

Literature cited by the submitters: PubMed 25589632 (cited by Labcorp Genetics (formerly Invitae), Labcorp); PubMed 23975875 (cited by Labcorp Genetics (formerly Invitae), Labcorp); PubMed 27869827 (cited by Labcorp Genetics (formerly Invitae), Labcorp); PubMed 32964742 (cited by Labcorp Genetics (formerly Invitae), Labcorp).